The following is an entry in ClinVar:

NM_033380.3(COL4A5):c.3839del (p.Leu1280fs)

Gene: COL4A5 (collagen type IV alpha 5 chain; plus strand). Cytogenetic location: Xq22.3.
Variant type: Deletion.
Coding change: c.3839del on transcript NM_033380.3 (MANE Select); coding-DNA position 3839, one base deleted (T; older notation c.3839delT).
Protein change: p.Leu1280fs; shifts the reading frame from leucine 1280.
Molecular consequence: frameshift variant.
Genome position (GRCh38, 1-based): chrX:108,677,530, T deleted. VCF-style (leftmost placement, unchanged base first): chrX-108677529-CT-C. GRCh37 (hg19) VCF-style: chrX-107920759-CT-C.
Other names: c.3821del, p.Leu1274fs (NM_000495.5); short protein forms L1280fs, L1274fs.
Identifiers: ClinVar variation 4795933 (VCV004795933.1).

ClinVar aggregate classification (germline): Likely pathogenic (1 of 4 stars; one submission).

Conditions:
X-linked Alport syndrome (ATS1). Also called: COL4A5-Related Nephropathy; NEPHROPATHY AND DEAFNESS, X-LINKED. Identifiers: Orphanet 63, Orphanet 88917, MedGen C4746986, MONDO:0010520, OMIM 301050.

Submission:

Variantyx, Inc.
Classification: Likely pathogenic for X-linked Alport syndrome. Last evaluated: 2025-07-31. Review status: criteria provided, single submitter. Criteria: Variantyx Assertion Criteria 2022. Collection method: clinical testing. Allele origin: maternal. Inheritance: X-linked dominant inheritance. Affected: yes.
Comment: This is a frameshift variant in the COL4A5 gene (OMIM: 303630). Pathogenic variants in this gene have been associated with X-linked Alport syndrome 1. This variant introduces a premature termination codon in exon 44 out of 53 and is expected to result in loss of function, which is a known disease mechanism for COL4A5 in this disorder (PMID: 9195222, 10752524, 14514738, 24854265, 26809805) (PVS1). This variant is absent from control populations (PM2) and has not been reported in individuals with COL4A5-related disorders in the databases available for review. Based on the current evidence, this variant is classified as likely pathogenic for X-linked Alport syndrome 1.

Literature cited by the submitters: PubMed 9195222; PubMed 10752524; PubMed 14514738; PubMed 24854265; PubMed 26809805.